The following is an entry in ClinVar:

NM_001127222.2(CACNA1A):c.6306G>A (p.Arg2102=)

Gene: CACNA1A (calcium voltage-gated channel subunit alpha1 A; minus strand). Cytogenetic location: 19p13.13.
Variant type: single nucleotide variant.
Coding change: c.6306G>A on transcript NM_001127222.2 (MANE Select); coding-DNA position 6306, G replaced by A.
Protein change: p.Arg2102=; no amino-acid change (arginine 2102 retained).
Molecular consequence: synonymous variant.
Genome position (GRCh38, 1-based): chr19:13,210,650, C>T on the plus strand (G>A on the coding strand, the complement: CACNA1A is on the minus strand). VCF-style: chr19-13210650-C-T. GRCh37 (hg19) VCF-style: chr19-13321464-C-T.
Other names: c.6324G>A, p.Arg2108= (NM_000068.4, NM_023035.3); c.6309G>A, p.Arg2103= (NM_001127221.2); c.6315G>A, p.Arg2105= (NM_001174080.2); c.6309G>A (NM_001127221.1).
Identifiers: ClinVar variation 1539334 (VCV001539334.9), dbSNP rs557017447, ClinGen allele CA305549151.

ClinVar aggregate classification (germline): Conflicting classifications of pathogenicity. Review status: criteria provided, conflicting classifications (1 of 4 stars). 2 submissions from 2 submitters: Uncertain significance (1); Likely benign (1). Last evaluated 2025-06-13.

Conditions:
Developmental and epileptic encephalopathy, 42 (DEE42A). Also called: Epileptic encephalopathy, early infantile, 42; DEVELOPMENTAL AND EPILEPTIC ENCEPHALOPATHY 42A; EPILEPTIC ENCEPHALOPATHY, EARLY INFANTILE, 42A. Identifiers: MedGen C4310716, MONDO:0014917, OMIM 617106.
Episodic ataxia type 2 (EA2). Also called: ATAXIA, EPISODIC, WITH NYSTAGMUS; ATAXIA, FAMILIAL PAROXYSMAL; CEREBELLAR ATAXIA, PAROXYSMAL, ACETAZOLAMIDE-RESPONSIVE; CEREBELLOPATHY, HEREDITARY PAROXYSMAL; EPISODIC ATAXIA, NYSTAGMUS-ASSOCIATED; ACETAZOLAMIDE-RESPONSIVE HEREDITARY PAROXYSMAL CEREBELLAR ATAXIA. Identifiers: Orphanet 97, MedGen C1720416, MONDO:0007163, OMIM 108500.

Allele frequency attached by ClinVar (database versions not stated): gnomAD exomes below 0.00001; TOPMed below 0.00001.
gnomAD v4.1: 2 of 1,563,702 alleles (0.00013%); highest among the groups gnomAD compares: Admixed American, 0.0019%; no homozygotes.

Submissions (2):

GeneDx
Classification: Uncertain significance. Last evaluated: 2025-06-13. Review status: criteria provided, single submitter. Criteria: GeneDx Variant Classification Process June 2021. Collection method: clinical testing. Allele origin: germline. Affected: yes.
Comment: Not observed at significant frequency in large population cohorts (gnomAD); Has not been previously published as pathogenic or benign to our knowledge; In silico analysis suggests this variant may impact gene splicing. In the absence of RNA/functional studies, the actual effect of this sequence change is unknown.

Labcorp Genetics (formerly Invitae), Labcorp
Classification: Likely benign for Developmental and epileptic encephalopathy, 42; Episodic ataxia type 2. Last evaluated: 2023-10-16. Review status: criteria provided, single submitter. Criteria: Invitae Variant Classification Sherloc (09022015). Collection method: clinical testing. Allele origin: germline.